The following is an entry in ClinVar:

ClinVar aggregate classification (germline): Uncertain significance (1 of 4 stars; one submission).

gnomAD v4.1: 3 of 1,614,062 alleles (0.00019%); highest among the groups gnomAD compares: Non-Finnish European, 0.00025%; no homozygotes.

Submission:

Labcorp Genetics (formerly Invitae), Labcorp
Classification: Uncertain significance. Last evaluated: 2025-06-04. Review status: criteria provided, single submitter. Criteria: Invitae Variant Classification Sherloc (09022015). Collection method: clinical testing. Allele origin: germline.
Comment: This sequence change replaces glycine, which is neutral and non-polar, with valine, which is neutral and non-polar, at codon 136 of the ANKRD26 protein (p.Gly136Val). This variant is not present in population databases (gnomAD no frequency). This variant has not been reported in the literature in individuals affected with ANKRD26-related conditions. An algorithm developed to predict the effect of missense changes on protein structure and function (PolyPhen-2) suggests that this variant is likely to be disruptive. In summary, the available evidence is currently insufficient to determine the role of this variant in disease. Therefore, it has been classified as a Variant of Uncertain Significance.

NM_014915.3(ANKRD26):c.407G>T (p.Gly136Val)

Gene: ANKRD26 (ankyrin repeat domain 26; minus strand). Cytogenetic location: 10p12.1.
Variant type: single nucleotide variant.
Coding change: c.407G>T on transcript NM_014915.3 (MANE Select); coding-DNA position 407, G replaced by T.
Protein change: p.Gly136Val; replaces glycine 136 with valine.
Molecular consequence: missense variant.
Genome position (GRCh38, 1-based): chr10:27,093,473, C>A on the plus strand (G>T on the coding strand, the complement: ANKRD26 is on the minus strand). VCF-style: chr10-27093473-C-A. GRCh37 (hg19) VCF-style: chr10-27382402-C-A.
Other names: c.407G>T, p.Gly136Val (NM_001256053.2); short protein forms G136V.
Identifiers: ClinVar variation 4749682 (VCV004749682.1).